The following is an entry in ClinVar:

ClinVar aggregate classification (germline): Conflicting classifications of pathogenicity. Review status: criteria provided, conflicting classifications (1 of 4 stars). 4 submissions from 4 submitters: Likely pathogenic (2); Uncertain significance (2). Last evaluated 2025-12-02.

Conditions:
Hypophosphatasia. Also called: Phosphoethanol-aminuria. Identifiers: Orphanet 436, MedGen C0020630, MeSH D007014, MONDO:0018570.

Submissions (4):

Myriad Genetics, Inc.
Classification: Uncertain significance for Hypophosphatasia. Last evaluated: 2025-12-02. Review status: criteria provided, single submitter. Criteria: Myriad Autosomal Dominant, Autosomal Recessive and X-Linked Classification Criteria (2023). Collection method: clinical testing. Allele origin: unknown.
Comment: NM_000478.4(ALPL):c.1444C>T(H482Y) is a missense variant classified as a variant of uncertain significance in the context of hypophosphatasia. H482Y has been observed in a case with relevant disease (PMID: 33404770). Relevant functional assessments of this variant are not available in the literature. H482Y has been observed in referenced population frequency databases. In summary, there is insufficient evidence to classify NM_000478.4(ALPL):c.1444C>T(H482Y) as pathogenic or benign. Please note: this variant was assessed in the context of healthy population screening.

Genomenon, Inc
Classification: Likely pathogenic for Hypophosphatasia. Last evaluated: 2025-08-29. Review status: criteria provided, single submitter. Criteria: Genomenon Sequence Variant Interpretation Standards. Collection method: curation. Allele origin: germline. Affected: yes.
Comment: ALPL His482Tyr (c.1444C>T) is a missense variant that changes the amino acid at residue 482 from Histidine to Tyrosine. This variant has been observed in a proband affected with hypophosphatasia (PMID:33404770). It is absent or not present at a significant frequency in gnomAD. In silico models agree that this variant is possibly or probably damaging. The presence of pathogenic missense variant(s) at the same amino acid position indicates that this residue is likely important for protein function. In conclusion, we classify ALPL p.His482Tyr (c.1444C>T) as a likely pathogenic variant.

Labcorp Genetics (formerly Invitae), Labcorp
Classification: Likely pathogenic. Last evaluated: 2023-11-21. Review status: criteria provided, single submitter. Criteria: Invitae Variant Classification Sherloc (09022015). Collection method: clinical testing. Allele origin: germline.
Comment: This sequence change replaces histidine, which is basic and polar, with tyrosine, which is neutral and polar, at codon 482 of the ALPL protein (p.His482Tyr). This variant is not present in population databases (gnomAD no frequency). This variant has not been reported in the literature in individuals affected with ALPL-related conditions. ClinVar contains an entry for this variant (Variation ID: 2414237). Advanced modeling of protein sequence and biophysical properties (such as structural, functional, and spatial information, amino acid conservation, physicochemical variation, residue mobility, and thermodynamic stability) performed at Invitae indicates that this missense variant is expected to disrupt ALPL protein function with a positive predictive value of 95%. This variant disrupts the p.His482 amino acid residue in ALPL. Other variant(s) that disrupt this residue have been determined to be pathogenic (PMID: 25731960, 28663156). This suggests that this residue is clinically significant, and that variants that disrupt this residue are likely to be disease-causing. In summary, the currently available evidence indicates that the variant is pathogenic, but additional data are needed to prove that conclusively. Therefore, this variant has been classified as Likely Pathogenic.

JKU Lab, Dept of Paediatrics, Johannes Kepler University
Classification: Uncertain significance for Hypophosphatasia. Last evaluated: 2022-12-13. Review status: criteria provided, single submitter. Criteria: ACMG Guidelines, 2015. Collection method: clinical testing. Allele origin: germline. Affected: yes. Observed: 1 heterozygote.
Comment: Absent in GnomAD. The ACMG criteria applied can be looked up in the ALPL gene variant database.

Literature cited by the submitters: PubMed 33404770 (cited by 3 submitters); PubMed 25731960 (cited by Labcorp Genetics (formerly Invitae), Labcorp); PubMed 28663156 (cited by Labcorp Genetics (formerly Invitae), Labcorp).

NM_000478.6(ALPL):c.1444C>T (p.His482Tyr)

Gene: ALPL (alkaline phosphatase, biomineralization associated; plus strand). Cytogenetic location: 1p36.12.
Variant type: single nucleotide variant.
Coding change: c.1444C>T on transcript NM_000478.6 (MANE Select); coding-DNA position 1444, C replaced by T.
Protein change: p.His482Tyr; replaces histidine 482 with tyrosine.
Molecular consequence: missense variant.
Genome position (GRCh38, 1-based): chr1:21,577,517, C>T. VCF-style: chr1-21577517-C-T. GRCh37 (hg19) VCF-style: chr1-21904010-C-T.
Other names: c.1279C>T, p.His427Tyr (NM_001127501.4); c.1213C>T, p.His405Tyr (NM_001177520.3); c.1444C>T, p.His482Tyr (NM_001369803.2, NM_001369804.2, NM_001369805.2); short protein forms H405Y, H427Y, H482Y.
Identifiers: ClinVar variation 2414237 (VCV002414237.9), dbSNP rs780857373, ClinGen allele CA19072145.